The following is an entry in ClinVar:

ClinVar aggregate classification (germline): Uncertain significance. Review status: criteria provided, multiple submitters, no conflicts (2 of 4 stars). 2 submissions from 2 submitters: Uncertain significance (2). Last evaluated 2023-12-21.

Conditions:
Early-infantile DEE. Also called: Early infantile epileptic encephalopathy; Ohtahara syndrome; Early infantile epileptic encephalopathy with suppression bursts. Identifiers: Orphanet 1934, MedGen C0393706, MONDO:0800491.
Developmental and epileptic encephalopathy 6B. Also called: Developmental and epileptic encephalopathy 6B, non-Dravet. Identifiers: MedGen C5543353, MONDO:0030268, OMIM 619317.
Generalized epilepsy with febrile seizures plus, type 2 (GEFSP2). Also called: GEFS+, TYPE 2. Identifiers: Orphanet 36387, MedGen C1858673, MONDO:0011461, OMIM 604403.
Migraine, familial hemiplegic, 3. Identifiers: Orphanet 569, MedGen C1864987, MONDO:0012320, OMIM 609634.
Severe myoclonic epilepsy in infancy (DRVT). Also called: Dravet syndrome; Epileptic encephalopathy, early infantile, 6 (Dravet syndrome); DEVELOPMENTAL AND EPILEPTIC ENCEPHALOPATHY 6A; Severe Myoclonic Epilepsy in Infancy (SMEI); SEVERE MYOCLONIC EPILEPSY OF INFANCY. Identifiers: Orphanet 33069, MedGen C0751122, MONDO:0100135, OMIM 607208.

Allele frequency attached by ClinVar (database versions not stated): gnomAD 0.00001; gnomAD exomes 0.00001.
gnomAD v4.1: 20 of 1,613,654 alleles (0.0012%); highest among the groups gnomAD compares: African/African-American, 0.0027%; no homozygotes.

Submissions (2):

Labcorp Genetics (formerly Invitae), Labcorp
Classification: Uncertain significance for Early-infantile DEE. Last evaluated: 2023-12-21. Review status: criteria provided, single submitter. Criteria: Invitae Variant Classification Sherloc (09022015). Collection method: clinical testing. Allele origin: germline.
Comment: This sequence change replaces tyrosine, which is neutral and polar, with cysteine, which is neutral and slightly polar, at codon 826 of the SCN1A protein (p.Tyr826Cys). This variant is present in population databases (no rsID available, gnomAD 0.01%). This variant has not been reported in the literature in individuals affected with SCN1A-related conditions. ClinVar contains an entry for this variant (Variation ID: 1007573). Advanced modeling of protein sequence and biophysical properties (such as structural, functional, and spatial information, amino acid conservation, physicochemical variation, residue mobility, and thermodynamic stability) performed at Invitae indicates that this missense variant is expected to disrupt SCN1A protein function with a positive predictive value of 95%. In summary, the available evidence is currently insufficient to determine the role of this variant in disease. Therefore, it has been classified as a Variant of Uncertain Significance.

Fulgent Genetics
Classification: Uncertain significance for Generalized epilepsy with febrile seizures plus, type 2; Severe myoclonic epilepsy in infancy; Migraine, familial hemiplegic, 3; Developmental and epileptic encephalopathy 6B. Last evaluated: 2021-12-09. Review status: criteria provided, single submitter. Criteria: ACMG Guidelines, 2015. Collection method: clinical testing. Allele origin: unknown.

NM_001165963.4(SCN1A):c.2477A>G (p.Tyr826Cys)

Gene: SCN1A (sodium voltage-gated channel alpha subunit 1; minus strand). Cytogenetic location: 2q24.3.
Variant type: single nucleotide variant.
Coding change: c.2477A>G on transcript NM_001165963.4 (MANE Select); coding-DNA position 2477, A replaced by G.
Protein change: p.Tyr826Cys; replaces tyrosine 826 with cysteine.
Molecular consequence: missense variant. On other transcripts: non-coding transcript variant (1).
Genome position (GRCh38, 1-based): chr2:166,039,535, T>C on the plus strand (A>G on the coding strand, the complement: SCN1A is on the minus strand). VCF-style: chr2-166039535-T-C. GRCh37 (hg19) VCF-style: chr2-166896045-T-C.
Other names: c.2393A>G, p.Tyr798Cys (NM_001165964.3, NM_001353957.2, NM_001353958.2); c.2477A>G, p.Tyr826Cys (NM_001202435.3, NM_001353948.2); c.2444A>G, p.Tyr815Cys (NM_001353949.2, NM_001353950.2, NM_001353951.2 and 2 more transcripts); c.2441A>G, p.Tyr814Cys (NM_001353954.2, NM_001353955.2); c.2390A>G, p.Tyr797Cys (NM_001353960.2); c.35A>G, p.Tyr12Cys (NM_001353961.2); short protein forms Y12C, Y797C, Y798C, Y814C, Y815C, Y826C.
Identifiers: ClinVar variation 1007573 (VCV001007573.11), dbSNP rs1422284356, ClinGen allele CA349062657.